The following is an entry in ClinVar:

NM_000271.5(NPC1):c.2351G>C (p.Gly784Ala)

Gene: NPC1 (NPC intracellular cholesterol transporter 1; minus strand). Cytogenetic location: 18q11.2.
Variant type: single nucleotide variant.
Coding change: c.2351G>C on transcript NM_000271.5 (MANE Select); coding-DNA position 2351, G replaced by C.
Protein change: p.Gly784Ala; replaces glycine 784 with alanine.
Molecular consequence: missense variant.
Genome position (GRCh38, 1-based): chr18:23,541,328, C>G on the plus strand (G>C on the coding strand, the complement: NPC1 is on the minus strand). VCF-style: chr18-23541328-C-G. GRCh37 (hg19) VCF-style: chr18-21121292-C-G.
Other names: c.2351G>C (NM_000271.4); short protein forms G784A.
Identifiers: ClinVar variation 2201086 (VCV002201086.4), dbSNP rs916061104, ClinGen allele CA297082208.

ClinVar aggregate classification (germline): Uncertain significance. Review status: criteria provided, multiple submitters, no conflicts (2 of 4 stars). 2 submissions from 2 submitters: Uncertain significance (2). Last evaluated 2025-02-15.

Conditions:
Niemann-Pick disease, type C1. Also called: NEUROVISCERAL STORAGE DISEASE WITH VERTICAL SUPRANUCLEAR OPHTHALMOPLEGIA; NIEMANN-PICK DISEASE WITH CHOLESTEROL ESTERIFICATION BLOCK; NIEMANN-PICK DISEASE WITHOUT SPHINGOMYELINASE DEFICIENCY; NIEMANN-PICK DISEASE, CHRONIC NEURONOPATHIC FORM; NIEMANN-PICK DISEASE, VARIANT TYPE C1. Identifiers: Orphanet 646, MedGen C3179455, MONDO:0009757, OMIM 257220.
Inborn genetic diseases. Identifiers: MedGen C0950123, MeSH D030342.

Allele frequency attached by ClinVar (database versions not stated): TOPMed below 0.00001; gnomAD 0.00001; gnomAD exomes 0.00001.
gnomAD v4.1: 15 of 1,614,060 alleles (0.00093%); highest among the groups gnomAD compares: Non-Finnish European, 0.0012%; no homozygotes.

Submissions (2):

Ambry Genetics
Classification: Uncertain significance for Inborn genetic diseases. Last evaluated: 2025-02-15. Review status: criteria provided, single submitter. Criteria: Ambry Variant Classification Scheme 2023. Collection method: clinical testing. Allele origin: germline.
Comment: The p.G784A variant (also known as c.2351G>C), located in coding exon 15 of the NPC1 gene, results from a G to C substitution at nucleotide position 2351. The glycine at codon 784 is replaced by alanine, an amino acid with similar properties. This amino acid position is conserved. In addition, this alteration is predicted to be deleterious by in silico analysis. Based on the available evidence, the clinical significance of this variant remains unclear.

Labcorp Genetics (formerly Invitae), Labcorp
Classification: Uncertain significance for Niemann-Pick disease, type C1. Last evaluated: 2024-04-17. Review status: criteria provided, single submitter. Criteria: Invitae Variant Classification Sherloc (09022015). Collection method: clinical testing. Allele origin: germline.
Comment: This sequence change replaces glycine, which is neutral and non-polar, with alanine, which is neutral and non-polar, at codon 784 of the NPC1 protein (p.Gly784Ala). This variant is present in population databases (no rsID available, gnomAD 0.0009%). This variant has not been reported in the literature in individuals affected with NPC1-related conditions. ClinVar contains an entry for this variant (Variation ID: 2201086). Advanced modeling of protein sequence and biophysical properties (such as structural, functional, and spatial information, amino acid conservation, physicochemical variation, residue mobility, and thermodynamic stability) performed at Invitae indicates that this missense variant is not expected to disrupt NPC1 protein function with a negative predictive value of 95%. In summary, the available evidence is currently insufficient to determine the role of this variant in disease. Therefore, it has been classified as a Variant of Uncertain Significance.